The following is an entry in ClinVar:

ClinVar aggregate classification (germline): Uncertain significance (1 of 4 stars; one submission).

Conditions:
Leigh syndrome (NULS). Also called: Leigh's necrotizing encephalopathy; Leigh's disease; Leigh Syndrome (mtDNA deletion); Leigh Disease; Subacute necrotizing encephalopathy; Necrotizing encephalopathy infantile subacute of Leigh. Identifiers: Orphanet 506, MedGen C2931891, MONDO:0009723, OMIM 256000.

Submission:

Wong Mito Lab, Molecular and Human Genetics, Baylor College of Medicine
Classification: Uncertain significance for Leigh syndrome. Last evaluated: 2019-10-17. Review status: criteria provided, single submitter. Criteria: Modified ACMG Guidelines (Unpublished). Collection method: clinical testing. Allele origin: germline.
Comment: The NC_012920.1:m.6916T>C (YP_003024028.1:p.Val338Ala) variant in MTCO1 gene is interpretated to be a Uncertain Significance variant based on the modified ACMG guidelines (unpublished). This variant meets the following evidence codes: PP4, PP6, BP4

NC_012920.1(MT-CO1):m.6916T>C

Gene: MT-CO1 (mitochondrially encoded cytochrome c oxidase I; plus strand).
Variant type: single nucleotide variant.
Genome position: chrM-6916-T-C.
Identifiers: ClinVar variation 692685 (VCV000692685.1), dbSNP rs1603220688, ClinGen allele CA414790032.